The following is an entry in ClinVar:

ClinVar aggregate classification (germline): Uncertain significance. Review status: criteria provided, multiple submitters, no conflicts (2 of 4 stars). 3 submissions from 3 submitters: Uncertain significance (3). Last evaluated 2023-06-05.

Conditions:
Inborn genetic diseases. Identifiers: MedGen C0950123, MeSH D030342.

Allele frequency attached by ClinVar (database versions not stated): gnomAD 0.00001; TOPMed 0.00001; gnomAD exomes 0.00002 and 0.00005; ExAC 0.00003.

Submissions (3):

Ambry Genetics
Classification: Uncertain significance for Inborn genetic diseases. Last evaluated: 2023-06-05. Review status: criteria provided, single submitter. Criteria: Ambry Variant Classification Scheme 2023. Collection method: clinical testing. Allele origin: germline.

Labcorp Genetics (formerly Invitae), Labcorp
Classification: Uncertain significance. Last evaluated: 2022-07-19. Review status: criteria provided, single submitter. Criteria: Invitae Variant Classification Sherloc (09022015). Collection method: clinical testing. Allele origin: germline.
Comment: This sequence change replaces tyrosine, which is neutral and polar, with histidine, which is basic and polar, at codon 810 of the RBP3 protein (p.Tyr810His). This variant is present in population databases (rs782564424, gnomAD 0.06%). This variant has not been reported in the literature in individuals affected with RBP3-related conditions. ClinVar contains an entry for this variant (Variation ID: 957936). Algorithms developed to predict the effect of missense changes on protein structure and function are either unavailable or do not agree on the potential impact of this missense change (SIFT: "Deleterious"; PolyPhen-2: "Possibly Damaging"; Align-GVGD: "Class C0"). In summary, the available evidence is currently insufficient to determine the role of this variant in disease. Therefore, it has been classified as a Variant of Uncertain Significance.

Blueprint Genetics
Classification: Uncertain significance. Last evaluated: 2022-06-16. Review status: criteria provided, single submitter. Criteria: ACMG Guidelines, 2015. Collection method: clinical testing. Allele origin: germline.

NM_002900.3(RBP3):c.2428T>C (p.Tyr810His)

Gene: RBP3 (retinol binding protein 3; plus strand). Cytogenetic location: 10q11.22.
Variant type: single nucleotide variant.
Coding change: c.2428T>C on transcript NM_002900.3 (MANE Select); coding-DNA position 2428, T replaced by C.
Protein change: p.Tyr810His; replaces tyrosine 810 with histidine.
Molecular consequence: missense variant.
Genome position (GRCh38, 1-based): chr10:47,350,912, T>C. VCF-style: chr10-47350912-T-C. GRCh37 (hg19) VCF-style: chr10-48388450-A-G.
Other names: short protein forms Y810H.
Identifiers: ClinVar variation 957936 (VCV000957936.9), dbSNP rs782564424, ClinGen allele CA5487285.